The following is an entry in ClinVar:

ClinVar aggregate classification (germline): Conflicting classifications of pathogenicity. Review status: criteria provided, conflicting classifications (1 of 4 stars). 2 submissions from 2 submitters: Uncertain significance (1); Likely benign (1). Last evaluated 2026-01-05.

Conditions:
Developmental and epileptic encephalopathy, 42 (DEE42A). Also called: Epileptic encephalopathy, early infantile, 42; DEVELOPMENTAL AND EPILEPTIC ENCEPHALOPATHY 42A; EPILEPTIC ENCEPHALOPATHY, EARLY INFANTILE, 42A. Identifiers: MedGen C4310716, MONDO:0014917, OMIM 617106.
Episodic ataxia type 2 (EA2). Also called: ATAXIA, EPISODIC, WITH NYSTAGMUS; ATAXIA, FAMILIAL PAROXYSMAL; CEREBELLAR ATAXIA, PAROXYSMAL, ACETAZOLAMIDE-RESPONSIVE; CEREBELLOPATHY, HEREDITARY PAROXYSMAL; EPISODIC ATAXIA, NYSTAGMUS-ASSOCIATED; ACETAZOLAMIDE-RESPONSIVE HEREDITARY PAROXYSMAL CEREBELLAR ATAXIA. Identifiers: Orphanet 97, MedGen C1720416, MONDO:0007163, OMIM 108500.
Inborn genetic diseases. Identifiers: MedGen C0950123, MeSH D030342.

Allele frequency attached by ClinVar (database versions not stated): gnomAD exomes below 0.00001; ExAC 0.00001; gnomAD 0.00001.
gnomAD v4.1: 3 of 1,613,844 alleles (0.00019%); highest among the groups gnomAD compares: African/African-American, 0.0027%; no homozygotes.

Submissions (2):

Labcorp Genetics (formerly Invitae), Labcorp
Classification: Likely benign for Developmental and epileptic encephalopathy, 42; Episodic ataxia type 2. Last evaluated: 2026-01-05. Review status: criteria provided, single submitter. Criteria: Invitae Variant Classification Sherloc (09022015). Collection method: clinical testing. Allele origin: germline.

Ambry Genetics
Classification: Uncertain significance for Inborn genetic diseases. Last evaluated: 2019-11-13. Review status: criteria provided, single submitter. Criteria: Ambry Variant Classification Scheme 2023. Collection method: clinical testing. Allele origin: germline.
Comment: The p.S1726N variant (also known as c.5177G>A), located in coding exon 34 of the CACNA1A gene, results from a G to A substitution at nucleotide position 5177. The serine at codon 1726 is replaced by asparagine, an amino acid with highly similar properties. This amino acid position is well conserved in available vertebrate species. In addition, this alteration is predicted to be tolerated by in silico analysis. Since supporting evidence is limited at this time, the clinical significance of this alteration remains unclear.

NM_001127222.2(CACNA1A):c.5174G>A (p.Ser1725Asn)

Gene: CACNA1A (calcium voltage-gated channel subunit alpha1 A; minus strand). Cytogenetic location: 19p13.13.
Variant type: single nucleotide variant.
Coding change: c.5174G>A on transcript NM_001127222.2 (MANE Select); coding-DNA position 5174, G replaced by A.
Protein change: p.Ser1725Asn; replaces serine 1725 with asparagine.
Molecular consequence: missense variant.
Genome position (GRCh38, 1-based): chr19:13,234,996, C>T on the plus strand (G>A on the coding strand, the complement: CACNA1A is on the minus strand). VCF-style: chr19-13234996-C-T. GRCh37 (hg19) VCF-style: chr19-13345810-C-T.
Other names: c.5192G>A, p.Ser1731Asn (NM_000068.4, NM_023035.3); c.5177G>A, p.Ser1726Asn (NM_001127221.2); c.5183G>A, p.Ser1728Asn (NM_001174080.2); short protein forms S1731N, S1726N, S1728N, S1725N.
Identifiers: ClinVar variation 1524942 (VCV001524942.8), dbSNP rs766254024, ClinGen allele CA9239804.
Genomic context (GRCh38, chr19:13,234,996, plus strand): 5'-AGGGCCTGGAAGAAGGTCCGGAAGTTATTGTGCTCAGTGATTTGGAACTCATCTTCATCA[C>T]TGTCCTCGTCCTCCACGTCGATGCCAATGTTACCAAACACCTGTGGAATTGGAGGGTGAC-3'
Protein context (NP_001120694.1, residues 1715-1735): NIGIDVEDED[Ser1725Asn]DEDEFQITEH